The following is an entry in ClinVar:

ClinVar aggregate classification (germline): Likely pathogenic (1 of 4 stars; one submission).

Conditions:
Hereditary spastic paraplegia 15 (SPG15). Also called: SPASTIC PARAPLEGIA 15, AUTOSOMAL RECESSIVE; KJELLIN SYNDROME; SPASTIC PARAPLEGIA AND RETINAL DEGENERATION. Identifiers: Orphanet 100996, MedGen C1849128, MONDO:0010044, OMIM 270700.

Submission:

Myriad Genetics, Inc.
Classification: Likely pathogenic for Hereditary spastic paraplegia 15. Last evaluated: 2022-04-01. Review status: criteria provided, single submitter. Criteria: Myriad Women's Health Autosomal Recessive and X-Linked Classification Criteria (2021). Collection method: clinical testing. Allele origin: unknown.
Comment: NM_015346.3(ZFYVE26):c.7031T>A(L2344*) is expected to be pathogenic in the context of spastic paraplegia type 15. This variant is predicted to lead to an abnormal or absent protein product due to the creation of a premature termination codon in ZFYVE26, a gene where loss-of-function variants are known to be pathogenic. Please note: this variant was assessed in the context of healthy population screening.

NM_015346.4(ZFYVE26):c.7031T>A (p.Leu2344Ter)

Gene: ZFYVE26 (zinc finger FYVE-type containing 26; minus strand). Cytogenetic location: 14q24.1.
Variant type: single nucleotide variant.
Coding change: c.7031T>A on transcript NM_015346.4 (MANE Select); coding-DNA position 7031, T replaced by A.
Protein change: p.Leu2344Ter; replaces leucine 2344 with a stop codon.
Molecular consequence: nonsense.
Genome position (GRCh38, 1-based): chr14:67,754,168, A>T on the plus strand (T>A on the coding strand, the complement: ZFYVE26 is on the minus strand). VCF-style: chr14-67754168-A-T. GRCh37 (hg19) VCF-style: chr14-68220885-A-T.
Other names: short protein forms L2344*.
Identifiers: ClinVar variation 1725778 (VCV001725778.2), dbSNP rs907417199, ClinGen allele CA390159853.
Genomic context (GRCh38, chr14:67,754,168, plus strand): 5'-AACAGGGTTGGCAGAGGCAAAGTGGTGATTTGAGAGGTCCCAGCACTTTCGCACCGATGC[A>T]AGAACCTGGTCACTTCCATCTGCAGCTGAAGTGTGTTCATGTGCCTGTGGTGACAGAATA-3'